The following is an entry in ClinVar:

ClinVar aggregate classification (germline): Uncertain significance (1 of 4 stars; one submission).

Conditions:
Breast-ovarian cancer, familial, susceptibility to, 4. Identifiers: Orphanet 145, MedGen C3280345, MONDO:0013669, OMIM 614291.

Submission:

Labcorp Genetics (formerly Invitae), Labcorp
Classification: Uncertain significance for Breast-ovarian cancer, familial, susceptibility to, 4. Last evaluated: 2025-05-23. Review status: criteria provided, single submitter. Criteria: Invitae Variant Classification Sherloc (09022015). Collection method: clinical testing. Allele origin: germline.
Comment: This sequence change replaces glutamine, which is neutral and polar, with histidine, which is basic and polar, at codon 324 of the RAD51D protein (p.Gln324His). This variant is not present in population databases (gnomAD no frequency). This variant has not been reported in the literature in individuals affected with RAD51D-related conditions. ClinVar contains an entry for this variant (Variation ID: 2701348). An algorithm developed to predict the effect of missense changes on protein structure and function (PolyPhen-2) suggests that this variant is likely to be disruptive. In summary, the available evidence is currently insufficient to determine the role of this variant in disease. Therefore, it has been classified as a Variant of Uncertain Significance.

NM_002878.4(RAD51D):c.972G>C (p.Gln324His)

Genes: RAD51D (RAD51 paralog D; minus strand), RAD51L3-RFFL (RAD51L3-RFFL readthrough; minus strand). Cytogenetic location: 17q12.
Variant type: single nucleotide variant.
Coding change: c.972G>C on transcript NM_002878.4 (MANE Select); coding-DNA position 972, G replaced by C.
Protein change: p.Gln324His; replaces glutamine 324 with histidine.
Molecular consequence: missense variant. On other transcripts: non-coding transcript variant (2).
Genome position (GRCh38, 1-based): chr17:35,100,968, C>G on the plus strand (G>C on the coding strand, the complement: RAD51D is on the minus strand). VCF-style: chr17-35100968-C-G. GRCh37 (hg19) VCF-style: chr17-33427987-C-G.
Other names: c.1032G>C, p.Gln344His (NM_001142571.2); c.636G>C, p.Gln212His (NM_133629.3); short protein forms Q324H, Q344H, Q212H.
Identifiers: ClinVar variation 2701348 (VCV002701348.3), dbSNP rs762625437, ClinGen allele CA399086052.